The following is an entry in ClinVar:

NM_003283.6(TNNT1):c.146C>G (p.Pro49Arg)

Gene: TNNT1 (troponin T1, slow skeletal type; minus strand). Cytogenetic location: 19q13.42.
Variant type: single nucleotide variant.
Coding change: c.146C>G on transcript NM_003283.6 (MANE Select); coding-DNA position 146, C replaced by G.
Protein change: p.Pro49Arg; replaces proline 49 with arginine.
Molecular consequence: missense variant.
Genome position (GRCh38, 1-based): chr19:55,141,903, G>C on the plus strand (C>G on the coding strand, the complement: TNNT1 is on the minus strand). VCF-style: chr19-55141903-G-C. GRCh37 (hg19) VCF-style: chr19-55653271-G-C.
Other names: c.146C>G, p.Pro49Arg (NM_001126132.3); c.113C>G, p.Pro38Arg (NM_001126133.3, NM_001291774.2); short protein forms P49R, P38R.
Identifiers: ClinVar variation 2068713 (VCV002068713.4), dbSNP rs2515448681, ClinGen allele CA407437064.

ClinVar aggregate classification (germline): Uncertain significance (1 of 4 stars; one submission).

Conditions:
Nemaline myopathy 5 (NEM5A). Also called: NEMALINE MYOPATHY 5A, AUTOSOMAL RECESSIVE, SEVERE INFANTILE; NEMALINE MYOPATHY, AMISH TYPE; Nemaline myopathy 5, Amish type. Identifiers: Orphanet 98902, MedGen C1854380, MONDO:0011539, OMIM 605355.

Submission:

Labcorp Genetics (formerly Invitae), Labcorp
Classification: Uncertain significance for Nemaline myopathy 5. Last evaluated: 2022-03-04. Review status: criteria provided, single submitter. Criteria: Invitae Variant Classification Sherloc (09022015). Collection method: clinical testing. Allele origin: germline.
Comment: This sequence change replaces proline, which is neutral and non-polar, with arginine, which is basic and polar, at codon 49 of the TNNT1 protein (p.Pro49Arg). This variant is not present in population databases (gnomAD no frequency). This variant has not been reported in the literature in individuals affected with TNNT1-related conditions. Algorithms developed to predict the effect of missense changes on protein structure and function are either unavailable or do not agree on the potential impact of this missense change (SIFT: "Tolerated"; PolyPhen-2: "Not Available"; Align-GVGD: "Class C0"). In summary, the available evidence is currently insufficient to determine the role of this variant in disease. Therefore, it has been classified as a Variant of Uncertain Significance.